The following is an entry in ClinVar:

ClinVar aggregate classification (germline): Conflicting classifications of pathogenicity. Review status: criteria provided, conflicting classifications (1 of 4 stars). 6 submissions from 6 submitters: Pathogenic (1); Likely pathogenic (1); Uncertain significance (3). 1 of the submissions does not count toward it. Last evaluated 2024-11-18.

Conditions:
Neuromuscular disease caused by qualitative or quantitative defects of dysferlin. Also called: Dysferlinopathy; Qualitative or quantitative defects of dysferlin. Identifiers: Orphanet 207073, MedGen C2931687, MONDO:0016145.
Miyoshi muscular dystrophy 1 (MMD1). Identifiers: Orphanet 45448, MedGen C4551973, MONDO:0024545, OMIM 254130.
Autosomal recessive limb-girdle muscular dystrophy type 2B (LGMDR2). Also called: MUSCULAR DYSTROPHY, LIMB-GIRDLE, AUTOSOMAL RECESSIVE 2; Limb-girdle muscular dystrophy, type 2B; Limb-Girdle Muscular Dystrophy Type 2B (LGMD2B); MUSCULAR DYSTROPHY, LIMB-GIRDLE, TYPE 3. Identifiers: Orphanet 268, MedGen C1850889, MONDO:0009676, OMIM 253601.
Distal myopathy with anterior tibial onset. Identifiers: Orphanet 178400, MedGen C1847532, MONDO:0011721, OMIM 606768.

gnomAD v4.1: 6 of 1,614,202 alleles (0.00037%); highest among the groups gnomAD compares: Non-Finnish European, 0.00051%; no homozygotes.

Submissions (6):

Labcorp Genetics (formerly Invitae), Labcorp
Classification: Pathogenic for Neuromuscular disease caused by qualitative or quantitative defects of dysferlin. Last evaluated: 2024-11-18. Review status: criteria provided, single submitter. Criteria: Invitae Variant Classification Sherloc (09022015). Collection method: clinical testing. Allele origin: germline.
Comment: This sequence change replaces cysteine, which is neutral and slightly polar, with serine, which is neutral and polar, at codon 1678 of the DYSF protein (p.Cys1678Ser). This variant is present in population databases (rs753279446, gnomAD 0.003%). This missense change has been observed in individual(s) with DYSF-related conditions (PMID: 16100712, 33927379). ClinVar contains an entry for this variant (Variation ID: 553247). Invitae Evidence Modeling of protein sequence and biophysical properties (such as structural, functional, and spatial information, amino acid conservation, physicochemical variation, residue mobility, and thermodynamic stability) has been performed for this missense variant. However, the output from this modeling did not meet the statistical confidence thresholds required to predict the impact of this variant on DYSF protein function. This variant disrupts the p.Cys1678 amino acid residue in DYSF. Other variant(s) that disrupt this residue have been observed in individuals with DYSF-related conditions (PMID: 17994539, 25591676), which suggests that this may be a clinically significant amino acid residue. For these reasons, this variant has been classified as Pathogenic.

GeneDx
Classification: Uncertain significance. Last evaluated: 2024-10-24. Review status: criteria provided, single submitter. Criteria: GeneDx Variant Classification Process June 2021. Collection method: clinical testing. Allele origin: germline. Affected: yes.
Comment: Reported in the published literature in patients with decreased dysferlin seen on Western blot analysis (PMID: 16100712, 33927379); In silico analysis supports that this missense variant has a deleterious effect on protein structure/function; Not observed at significant frequency in large population cohorts (gnomAD); This variant is associated with the following publications: (PMID: 24438169, 16100712, 33927379)

Baylor Genetics
Classification: Likely pathogenic for Miyoshi muscular dystrophy 1. Last evaluated: 2024-01-01. Review status: criteria provided, single submitter. Criteria: ACMG Guidelines, 2015. Collection method: clinical testing. Allele origin: unknown.

Blueprint Genetics
Classification: Uncertain significance. Last evaluated: 2023-03-22. Review status: criteria provided, single submitter. Criteria: ACMG Guidelines, 2015. Collection method: clinical testing. Allele origin: germline.

Fulgent Genetics
Classification: Uncertain significance for Autosomal recessive limb-girdle muscular dystrophy type 2B; Miyoshi muscular dystrophy 1; Distal myopathy with anterior tibial onset. Last evaluated: 2021-12-08. Review status: criteria provided, single submitter. Criteria: ACMG Guidelines, 2015. Collection method: clinical testing. Allele origin: unknown.

Counsyl
Classification: Uncertain significance for Autosomal recessive limb-girdle muscular dystrophy type 2B. Last evaluated: 2017-08-08. Review status: no assertion criteria provided. Collection method: clinical testing. Allele origin: unknown. Not counted in ClinVar's aggregate classification.

Literature cited by the submitters: PubMed 16100712 (cited by Labcorp Genetics (formerly Invitae), Labcorp and Counsyl); PubMed 33927379 (cited by Labcorp Genetics (formerly Invitae), Labcorp); PubMed 17994539 (cited by Labcorp Genetics (formerly Invitae), Labcorp); PubMed 25591676 (cited by Labcorp Genetics (formerly Invitae), Labcorp).

NM_001130987.2(DYSF):c.5150G>C (p.Cys1717Ser)

Gene: DYSF (dysferlin; plus strand). Cytogenetic location: 2p13.2.
Variant type: single nucleotide variant.
Coding change: c.5150G>C on transcript NM_001130987.2 (MANE Select); coding-DNA position 5150, G replaced by C.
Protein change: p.Cys1717Ser; replaces cysteine 1717 with serine.
Molecular consequence: missense variant.
Genome position (GRCh38, 1-based): chr2:71,664,414, G>C. VCF-style: chr2-71664414-G-C. GRCh37 (hg19) VCF-style: chr2-71891544-G-C.
Other names: c.5036G>C, p.Cys1679Ser (NM_001130455.2); c.4991G>C, p.Cys1664Ser (NM_001130976.2); c.5054G>C, p.Cys1685Ser (NM_001130977.2); c.5096G>C, p.Cys1699Ser (NM_001130978.2); c.5126G>C, p.Cys1709Ser (NM_001130979.2); c.5084G>C, p.Cys1695Ser (NM_001130980.2); c.5147G>C, p.Cys1716Ser (NM_001130981.2); c.5129G>C, p.Cys1710Ser (NM_001130982.2); and 5 more; short protein forms C1678S, C1717S, C1686S, C1695S, C1710S, C1685S, C1664S, C1700S.
Identifiers: ClinVar variation 553247 (VCV000553247.12), dbSNP rs753279446, ClinGen allele CA1707259.
Genomic context (GRCh38, chr2:71,664,414, plus strand): 5'-AGATCGGTGAGACGGTCGTCGACCTGGAGAACAGGCTGCTGTCCAAGTTTGGGGCTCGCT[G>C]TGGACTCCCACAGACCTACTGTGTGTACGTGGATGGGGGCTGGCTGCCTGCTTCTCTGAC-3'
Protein context (NP_001124459.1, residues 1707-1727): NRLLSKFGAR[Cys1717Ser]GLPQTYCVSG